The following is an entry in ClinVar:

NM_001190787.3(MCIDAS):c.1062C>T (p.Ser354=)

Gene: MCIDAS (multiciliate differentiation and DNA synthesis associated cell cycle protein; minus strand). Cytogenetic location: 5q11.2.
Variant type: single nucleotide variant.
Coding change: c.1062C>T on transcript NM_001190787.3 (MANE Select); coding-DNA position 1062, C replaced by T.
Protein change: p.Ser354=; no amino-acid change (serine 354 retained).
Molecular consequence: synonymous variant.
Genome position (GRCh38, 1-based): chr5:55,220,462, G>A on the plus strand (C>T on the coding strand, the complement: MCIDAS is on the minus strand). VCF-style: chr5-55220462-G-A. GRCh37 (hg19) VCF-style: chr5-54516290-G-A.
Identifiers: ClinVar variation 238617 (VCV000238617.13), dbSNP rs375687696, ClinGen allele CA3266541.

ClinVar aggregate classification (germline): Benign/Likely benign. Review status: criteria provided, multiple submitters, no conflicts (2 of 4 stars). 3 submissions from 3 submitters: Benign (1); Likely benign (2). Last evaluated 2026-05-01.

Conditions:
Primary ciliary dyskinesia. Also called: Ciliary dyskinesia. Identifiers: Orphanet 244, MedGen C0008780, MONDO:0016575, HP:0012265.

Allele frequency attached by ClinVar (database versions not stated): TOPMed 0.00099; gnomAD 0.00118 and 0.00143; 1000 Genomes Project 30x 0.00187; 1000 Genomes Project 0.00200; gnomAD exomes 0.00296; ExAC 0.00768.
gnomAD v4.1: 3,236 of 1,536,076 alleles (0.21%); highest among the groups gnomAD compares: South Asian, 1.2%; 22 homozygotes.

Submissions (3):

CeGaT Center for Human Genetics Tuebingen
Classification: Benign. Last evaluated: 2026-05-01. Review status: criteria provided, single submitter. Criteria: CeGaT Center For Human Genetics Tuebingen Variant Classification Criteria Version 2. Collection method: clinical testing. Allele origin: germline. Affected: yes. Observed: 1 variant allele.
Comment: MCIDAS: BP4, BP7, BS1, BS2

Labcorp Genetics (formerly Invitae), Labcorp
Classification: Likely benign for Primary ciliary dyskinesia. Last evaluated: 2026-01-28. Review status: criteria provided, single submitter. Criteria: Invitae Variant Classification Sherloc (09022015). Collection method: clinical testing. Allele origin: germline.

Breakthrough Genomics
Classification: Likely benign. Review status: criteria provided, single submitter. Criteria: ACMG Guidelines, 2015. Collection method: not provided. Allele origin: germline. Inheritance: Autosomal recessive inheritance. Affected: yes.